The following is an entry in ClinVar:

NM_000057.4(BLM):c.332T>C (p.Phe111Ser)

Gene: BLM (BLM RecQ like helicase; plus strand). Cytogenetic location: 15q26.1.
Variant type: single nucleotide variant.
Coding change: c.332T>C on transcript NM_000057.4 (MANE Select); coding-DNA position 332, T replaced by C.
Protein change: p.Phe111Ser; replaces phenylalanine 111 with serine.
Molecular consequence: missense variant. On other transcripts: 5 prime UTR variant (1).
Genome position (GRCh38, 1-based): chr15:90,749,600, T>C. VCF-style: chr15-90749600-T-C. GRCh37 (hg19) VCF-style: chr15-91292830-T-C.
Other names: c.332T>C, p.Phe111Ser (NM_001287246.2, NM_001287247.2); c.-960T>C (NM_001287248.2); short protein forms F111S.
Identifiers: ClinVar variation 2748926 (VCV002748926.3), dbSNP rs2151147134, ClinGen allele CA393840313.

ClinVar aggregate classification (germline): Uncertain significance (1 of 4 stars; one submission).

Conditions:
Bloom syndrome (BLM). Also called: Bloom-Torre-Machacek syndrome. Identifiers: Orphanet 125, MedGen C0005859, MONDO:0008876, OMIM 210900.

Submission:

Labcorp Genetics (formerly Invitae), Labcorp
Classification: Uncertain significance for Bloom syndrome. Last evaluated: 2024-05-07. Review status: criteria provided, single submitter. Criteria: Invitae Variant Classification Sherloc (09022015). Collection method: clinical testing. Allele origin: germline.
Comment: This sequence change replaces phenylalanine, which is neutral and non-polar, with serine, which is neutral and polar, at codon 111 of the BLM protein (p.Phe111Ser). This variant is not present in population databases (gnomAD no frequency). This variant has not been reported in the literature in individuals affected with BLM-related conditions. Algorithms developed to predict the effect of missense changes on protein structure and function output the following: SIFT: "Not Available"; PolyPhen-2: "Benign"; Align-GVGD: "Not Available". The serine amino acid residue is found in multiple mammalian species, which suggests that this missense change does not adversely affect protein function. In summary, the available evidence is currently insufficient to determine the role of this variant in disease. Therefore, it has been classified as a Variant of Uncertain Significance.